The following is an entry in ClinVar:

ClinVar aggregate classification (germline): Uncertain significance. Review status: criteria provided, multiple submitters, no conflicts (2 of 4 stars). 3 submissions from 3 submitters: Uncertain significance (3). Last evaluated 2026-01-20.

Conditions:
TNFAIP3-related disorder. Also called: TNFAIP3-related condition.
Inborn genetic diseases. Identifiers: MedGen C0950123, MeSH D030342.

Allele frequency attached by ClinVar (database versions not stated): ExAC 0.00002; TOPMed 0.00003; gnomAD 0.00004; gnomAD exomes 0.00007.
gnomAD v4.1: 108 of 1,613,992 alleles (0.0067%); highest among the groups gnomAD compares: Non-Finnish European, 0.0089%; no homozygotes.

Submissions (3):

Labcorp Genetics (formerly Invitae), Labcorp
Classification: Uncertain significance. Last evaluated: 2026-01-20. Review status: criteria provided, single submitter. Criteria: Invitae Variant Classification Sherloc (09022015). Collection method: clinical testing. Allele origin: germline.
Comment: This sequence change replaces arginine, which is basic and polar, with glycine, which is neutral and non-polar, at codon 581 of the TNFAIP3 protein (p.Arg581Gly). This variant is present in population databases (rs767263437, gnomAD 0.006%). This variant has not been reported in the literature in individuals affected with TNFAIP3-related conditions. ClinVar contains an entry for this variant (Variation ID: 2508626). Invitae Evidence Modeling of protein sequence and biophysical properties (such as structural, functional, and spatial information, amino acid conservation, physicochemical variation, residue mobility, and thermodynamic stability) indicates that this missense variant is not expected to disrupt TNFAIP3 protein function with a negative predictive value of 80%. In summary, the available evidence is currently insufficient to determine the role of this variant in disease. Therefore, it has been classified as a Variant of Uncertain Significance.

Ambry Genetics
Classification: Uncertain significance for Inborn genetic diseases. Last evaluated: 2025-11-08. Review status: criteria provided, single submitter. Criteria: Ambry Variant Classification Scheme 2023. Collection method: clinical testing. Allele origin: germline.

PreventionGenetics, part of Exact Sciences
Classification: Uncertain significance for TNFAIP3-related condition. Last evaluated: 2025-01-30. Review status: criteria provided, single submitter. Criteria: ACMG Guidelines, 2015. Collection method: clinical testing. Allele origin: germline.
Comment: The TNFAIP3 c.1741A>G variant is predicted to result in the amino acid substitution p.Arg581Gly. To our knowledge, this variant has not been reported in the literature. This variant is reported in 0.0054% of alleles in individuals of European (Non-Finnish) descent in gnomAD. At this time, the clinical significance of this variant is uncertain due to the absence of conclusive functional and genetic evidence.

NM_001270508.2(TNFAIP3):c.1741A>G (p.Arg581Gly)

Gene: TNFAIP3 (TNF alpha induced protein 3; plus strand). Cytogenetic location: 6q23.3.
Variant type: single nucleotide variant.
Coding change: c.1741A>G on transcript NM_001270508.2 (MANE Select); coding-DNA position 1741, A replaced by G.
Protein change: p.Arg581Gly; replaces arginine 581 with glycine.
Molecular consequence: missense variant.
Genome position (GRCh38, 1-based): chr6:137,879,186, A>G. VCF-style: chr6-137879186-A-G. GRCh37 (hg19) VCF-style: chr6-138200323-A-G.
Other names: c.1741A>G, p.Arg581Gly (NM_001270507.2, NM_006290.4); c.1741A>G (NM_006290.3); short protein forms R581G.
Identifiers: ClinVar variation 2508626 (VCV002508626.7), dbSNP rs767263437, ClinGen allele CA4019693.